The following is an entry in ClinVar:

ClinVar aggregate classification (germline): Benign. Review status: criteria provided, multiple submitters, no conflicts (2 of 4 stars). 3 submissions from 3 submitters: Benign (3). Last evaluated 2024-07-15.

Conditions:
Nephrotic syndrome, type 3 (NPHS3). Also called: NEPHROTIC SYNDROME, EARLY-ONSET, TYPE 3. Identifiers: Orphanet 656, MedGen C1853124, MONDO:0012546, OMIM 610725.

Allele frequency attached by ClinVar (database versions not stated): 1000 Genomes Project 0.21306; 1000 Genomes Project 30x 0.21549; gnomAD exomes 0.22404 and 0.23420; ExAC 0.22471; TOPMed 0.23085; gnomAD 0.23240 and 0.23303; ESP Exome Variant Server 0.24113.

Submissions (3):

Unidad de Genómica Garrahan, Hospital de Pediatría Garrahan
Classification: Benign. Last evaluated: 2024-07-15. Review status: criteria provided, single submitter. Criteria: ACMG Guidelines, 2015. Collection method: clinical testing. Allele origin: germline. Affected: no. Observed: 27 variant alleles.
Comment: This variant is classified as Benign based on local population frequency. This variant was detected in 29% of patients studied in a panel designed for Epileptic and Developmental Encephalopathy and Progressive Myoclonus Epilepsy. Number of patients: 27. Only high quality variants are reported.

Genome-Nilou Lab
Classification: Benign for Nephrotic syndrome, type 3. Last evaluated: 2021-10-25. Review status: criteria provided, single submitter. Criteria: ACMG Guidelines, 2015. Collection method: clinical testing. Allele origin: germline. Affected: no.

GeneDx
Classification: Benign. Last evaluated: 2021-08-26. Review status: criteria provided, single submitter. Criteria: GeneDx Variant Classification Process June 2021. Collection method: clinical testing. Allele origin: germline. Affected: yes.

NM_016341.4(PLCE1):c.6720+49dup

Genes: NOC3L (NOC3 like DNA replication regulator; minus strand), PLCE1 (phospholipase C epsilon 1; plus strand). Cytogenetic location: 10q23.33.
Variant type: Duplication.
Coding change: c.6720+49dup on transcript NM_016341.4 (MANE Select); 49 bases into the intron after coding-DNA position 6720, one base duplicated (T; older notation c.6720+49dupT).
Molecular consequence: intron variant.
Genome position (GRCh38, 1-based): chr10:94,324,616, T duplicated. VCF-style (leftmost placement, unchanged base first): chr10-94324615-A-AT. GRCh37 (hg19) VCF-style: chr10-96084372-A-AT.
Other names: c.6672+49dup (NM_001288989.2); c.5796+49dup (NM_001165979.2); c.6720+49dupT (NM_016341.4).
Identifiers: ClinVar variation 1254109 (VCV001254109.6), dbSNP rs3831084, ClinGen allele CA5613646.